The following is an entry in ClinVar:

ClinVar aggregate classification (germline): Likely pathogenic. Review status: criteria provided, multiple submitters, no conflicts (2 of 4 stars). 2 submissions from 2 submitters: Likely pathogenic (2). Last evaluated 2026-04-23.

Conditions:
Cystic fibrosis (CF). Also called: MUCOVISCIDOSIS. Identifiers: Orphanet 586, MedGen C0010674, MONDO:0009061, OMIM 219700. Disease mechanism: loss of function.
CFTR-related disorder (CFTR-RD). Also called: CFTR-related disorders; CFTR-related condition. Identifiers: MedGen C5924204, MONDO:7770004.

Submissions (2):

Women's Health and Genetics/Laboratory Corporation of America, LabCorp
Classification: Likely pathogenic for Cystic fibrosis. Last evaluated: 2026-04-23. Review status: criteria provided, single submitter. Criteria: LabCorp Variant Classification Summary - May 2015. Collection method: clinical testing. Allele origin: germline.
Comment: Variant summary: CFTR c.199C>T (p.Pro67Ser) results in a non-conservative amino acid change in the encoded protein sequence. Algorithms developed to predict the effect of missense changes on protein structure and function all suggest that this variant is likely to be disruptive. The variant was absent in 251004 control chromosomes. c.199C>T has been observed in the homozygous state in at least 1 individual(s) affected with clinical features of atypical Cystic Fibrosis (example, Kraus_2007). These data indicate that the variant may be associated with disease. A different variant affecting the same codon has been classified as likely pathogenic/pathogenic by our lab (c.200C>T, p.Pro67Leu), supporting the critical relevance of codon 67 to CFTR protein function. At least one publication reports experimental evidence evaluating an impact on protein function in vitro. The most pronounced variant effect results in 10%-<30% of normal channel conductance in oocytes (example, Kraus_2007). The following publication has been ascertained in the context of this evaluation (PMID: 17495464). ClinVar contains an entry for this variant (Variation ID: 4818493). Based on the evidence outlined above, the variant was classified as likely pathogenic.

Natera, Inc.
Classification: Likely pathogenic for CFTR-related disorders. Last evaluated: 2025-01-31. Review status: criteria provided, single submitter. Criteria: Natera Variant Classification Schema (03/2026). Collection method: clinical testing. Allele origin: germline.
Comment: The c.199C>T variant in CFTR is a missense variant predicted to cause substitution of proline to serine at amino acid 67. This variant is rare in the general population with a frequency below the threshold expected for the associated phenotype(s). Functional studies show that this variant may disrupt protein function (PMID: 17495464). A different variant at the same position has been determined to be Pathogenic or Likely Pathogenic. Computational prediction algorithms indicate this variant is likely to affect gene or protein function. Given the available evidence, this variant is classified as Likely Pathogenic.

Literature cited by the submitters: PubMed 17495464 (cited by Women's Health and Genetics/Laboratory Corporation of America, LabCorp and Natera, Inc.).

NM_000492.4(CFTR):c.199C>T (p.Pro67Ser)

Gene: CFTR (CF transmembrane conductance regulator; plus strand). Cytogenetic location: 7q31.2.
Variant type: single nucleotide variant.
Coding change: c.199C>T on transcript NM_000492.4 (MANE Select); coding-DNA position 199, C replaced by T.
Protein change: p.Pro67Ser; replaces proline 67 with serine.
Molecular consequence: missense variant.
Genome position (GRCh38, 1-based): chr7:117,509,068, C>T. VCF-style: chr7-117509068-C-T. GRCh37 (hg19) VCF-style: chr7-117149122-C-T.
Other names: short protein forms P67S.
Identifiers: ClinVar variation 4818493 (VCV004818493.2).
Genomic context (GRCh38, chr7:117,509,068, plus strand): 5'-TGGTCCCACTTTTTATTCTTTTGCAGAGAATGGGATAGAGAGCTGGCTTCAAAGAAAAAT[C>T]CTAAACTCATTAATGCCCTTCGGCGATGTTTTTTCTGGAGATTTATGTTCTATGGAATCT-3'
Protein context (NP_000483.3, residues 57-77): WDRELASKKN[Pro67Ser]KLINALRRCF